The following is an entry in ClinVar:

ClinVar aggregate classification (germline): Uncertain significance (1 of 4 stars; one submission).

Conditions:
Glycogen storage disease type III (GSD3). Also called: Cori disease; FORBES DISEASE. Identifiers: Orphanet 366, MedGen C0017922, MONDO:0009291, OMIM 232400.

Allele frequency attached by ClinVar (database versions not stated): gnomAD exomes 0.00001.
gnomAD v4.1: 10 of 1,612,860 alleles (0.00062%); highest among the groups gnomAD compares: Non-Finnish European, 0.00076%; no homozygotes.

Submission:

Labcorp Genetics (formerly Invitae), Labcorp
Classification: Uncertain significance for Glycogen storage disease type III. Last evaluated: 2022-08-04. Review status: criteria provided, single submitter. Criteria: Invitae Variant Classification Sherloc (09022015). Collection method: clinical testing. Allele origin: germline.
Comment: This sequence change replaces aspartic acid, which is acidic and polar, with glycine, which is neutral and non-polar, at codon 1186 of the AGL protein (p.Asp1186Gly). In summary, the available evidence is currently insufficient to determine the role of this variant in disease. Therefore, it has been classified as a Variant of Uncertain Significance. Algorithms developed to predict the effect of sequence changes on RNA splicing suggest that this variant may disrupt the consensus splice site. Algorithms developed to predict the effect of missense changes on protein structure and function are either unavailable or do not agree on the potential impact of this missense change (SIFT: "Deleterious"; PolyPhen-2: "Probably Damaging"; Align-GVGD: "Class C0"). This variant has not been reported in the literature in individuals affected with AGL-related conditions. This variant is not present in population databases (gnomAD no frequency).

NM_000642.3(AGL):c.3557A>G (p.Asp1186Gly)

Gene: AGL (amylo-alpha-1,6-glucosidase and 4-alpha-glucanotransferase; plus strand). Cytogenetic location: 1p21.2.
Variant type: single nucleotide variant.
Coding change: c.3557A>G on transcript NM_000642.3 (MANE Select); coding-DNA position 3557, A replaced by G.
Protein change: p.Asp1186Gly; replaces aspartic acid 1186 with glycine.
Molecular consequence: missense variant.
Genome position (GRCh38, 1-based): chr1:99,900,830, A>G. VCF-style: chr1-99900830-A-G. GRCh37 (hg19) VCF-style: chr1-100366386-A-G.
Other names: c.3557A>G, p.Asp1186Gly (NM_000643.3, NM_000028.3, NM_000644.3 and 1 more transcripts); c.3509A>G, p.Asp1170Gly (NM_000646.3); c.3536A>G, p.Asp1179Gly (NM_001425326.1); c.3356A>G, p.Asp1119Gly (NM_001425327.1); c.3353A>G, p.Asp1118Gly (NM_001425328.1); c.3218A>G, p.Asp1073Gly (NM_001425329.1); c.3179A>G, p.Asp1060Gly (NM_001425332.1); short protein forms D1186G, D1170G, D1060G, D1073G, D1118G, D1119G, D1179G.
Identifiers: ClinVar variation 1990215 (VCV001990215.2), dbSNP rs2523716806, ClinGen allele CA341332688.